The following is an entry in ClinVar:

NM_003742.4(ABCB11):c.1482T>A (p.Leu494=)

Gene: ABCB11 (ATP binding cassette subfamily B member 11; minus strand). Cytogenetic location: 2q31.1.
Variant type: single nucleotide variant.
Coding change: c.1482T>A on transcript NM_003742.4 (MANE Select); coding-DNA position 1482, T replaced by A.
Protein change: p.Leu494=; no amino-acid change (leucine 494 retained).
Molecular consequence: synonymous variant.
Genome position (GRCh38, 1-based): chr2:168,972,003, A>T on the plus strand (T>A on the coding strand, the complement: ABCB11 is on the minus strand). VCF-style: chr2-168972003-A-T. GRCh37 (hg19) VCF-style: chr2-169828513-A-T.
Other names: c.1482T>A (NM_003742.2).
Identifiers: ClinVar variation 3014090 (VCV003014090.4), dbSNP rs754545100, ClinGen allele CA1951554.

ClinVar aggregate classification (germline): Likely benign. Review status: criteria provided, single submitter (1 of 4 stars). 2 submissions from 2 submitters: Likely benign (1). 1 of the submissions does not count toward it. Last evaluated 2023-10-11.

Conditions:
ABCB11-related disorder. Also called: ABCB11-related condition.

Allele frequency attached by ClinVar (database versions not stated): gnomAD exomes below 0.00001; ExAC 0.00002.
gnomAD v4.1: 5 of 1,612,950 alleles (0.00031%); highest among the groups gnomAD compares: Non-Finnish European, 0.00042%; no homozygotes.

Submissions (2):

Labcorp Genetics (formerly Invitae), Labcorp
Classification: Likely benign. Last evaluated: 2023-10-11. Review status: criteria provided, single submitter. Criteria: Invitae Variant Classification Sherloc (09022015). Collection method: clinical testing. Allele origin: germline.

PreventionGenetics, part of Exact Sciences
Classification: Likely benign for ABCB11-related condition. Last evaluated: 2024-05-28. Review status: no assertion criteria provided. Collection method: clinical testing. Allele origin: germline. Not counted in ClinVar's aggregate classification.
Comment: This variant is classified as likely benign based on ACMG/AMP sequence variant interpretation guidelines (Richards et al. 2015 PMID: 25741868, with internal and published modifications).